The following is an entry in ClinVar:

NM_001379451.1(BCORL1):c.502G>T (p.Val168Phe)

Gene: BCORL1 (BCL6 corepressor like 1; plus strand). Cytogenetic location: Xq26.1.
Variant type: single nucleotide variant.
Coding change: c.502G>T on transcript NM_001379451.1 (MANE Select); coding-DNA position 502, G replaced by T.
Protein change: p.Val168Phe; replaces valine 168 with phenylalanine.
Molecular consequence: missense variant.
Genome position (GRCh38, 1-based): chrX:130,013,274, G>T. VCF-style: chrX-130013274-G-T. GRCh37 (hg19) VCF-style: chrX-129147250-G-T.
Other names: c.502G>T, p.Val168Phe (NM_001184772.3, NM_001379450.1, NM_021946.5); short protein forms V168F.
Identifiers: ClinVar variation 2662963 (VCV002662963.1), dbSNP rs2522646977, ClinGen allele CA414570785.

ClinVar aggregate classification (germline): Uncertain significance (1 of 4 stars; one submission).

Submission:

GeneDx
Classification: Uncertain significance. Last evaluated: 2023-05-03. Review status: criteria provided, single submitter. Criteria: GeneDx Variant Classification Process June 2021. Collection method: clinical testing. Allele origin: germline. Affected: yes.
Comment: Not observed at significant frequency in large population cohorts (gnomAD); In silico analysis supports that this missense variant does not alter protein structure/function; Has not been previously published as pathogenic or benign to our knowledge